The following is an entry in ClinVar:

NM_001035.3(RYR2):c.294+15G>A

Gene: RYR2 (ryanodine receptor 2; plus strand). Cytogenetic location: 1q43.
Variant type: single nucleotide variant.
Coding change: c.294+15G>A on transcript NM_001035.3 (MANE Select); 15 bases into the intron after coding-DNA position 294, G replaced by A.
Molecular consequence: intron variant.
Genome position (GRCh38, 1-based): chr1:237,356,000, G>A. VCF-style: chr1-237356000-G-A. GRCh37 (hg19) VCF-style: chr1-237519300-G-A.
Identifiers: ClinVar variation 227916 (VCV000227916.16), dbSNP rs750047302, ClinGen allele CA10576396.

ClinVar aggregate classification (germline): Benign/Likely benign. Review status: criteria provided, multiple submitters, no conflicts (2 of 4 stars). 3 submissions from 3 submitters: Benign (1); Likely benign (2). Last evaluated 2025-10-13.

Conditions:
Catecholaminergic polymorphic ventricular tachycardia 1. Also called: VENTRICULAR TACHYCARDIA, STRESS-INDUCED POLYMORPHIC 1; VENTRICULAR TACHYCARDIA, CATECHOLAMINERGIC POLYMORPHIC, 1, WITH OR WITHOUT ATRIAL DYSFUNCTION AND/OR DILATED CARDIOMYOPATHY; RYR2-Related Catecholaminergic Polymorphic Ventricular Tachycardia. Identifiers: Orphanet 3286, MedGen C1631597, MONDO:0011484, OMIM 604772.

Allele frequency attached by ClinVar (database versions not stated): gnomAD 0.00003 and 0.00004; gnomAD exomes 0.00003 and 0.00013; TOPMed 0.00005.
gnomAD v4.1: 181 of 1,605,068 alleles (0.011%); highest among the groups gnomAD compares: Non-Finnish European, 0.015%; no homozygotes.

Submissions (3):

Labcorp Genetics (formerly Invitae), Labcorp
Classification: Likely benign for Catecholaminergic polymorphic ventricular tachycardia 1. Last evaluated: 2025-10-13. Review status: criteria provided, single submitter. Criteria: Invitae Variant Classification Sherloc (09022015). Collection method: clinical testing. Allele origin: germline.

Laboratory for Molecular Medicine, Mass General Brigham Personalized Medicine
Classification: Likely benign. Last evaluated: 2015-04-07. Review status: criteria provided, single submitter. Criteria: LMM Criteria. Collection method: clinical testing. Allele origin: germline. Observed: 1 variant allele.
Comment: c.294+15G>A in intron 4 of RYR2: This variant is not expected to have clinical s ignificance because it is not located within the splice consensus sequence.

GeneDx
Classification: Benign. Last evaluated: 2015-03-03. Review status: criteria provided, single submitter. Criteria: GeneDx Variant Classification Process June 2021. Collection method: clinical testing. Allele origin: germline. Affected: yes.